The following is an entry in ClinVar:

NM_001387274.1(DCDC1):c.634G>A (p.Ala212Thr)

Genes: DCDC1 (doublecortin domain containing 1; minus strand), LOC126861175 (CDK7 strongly-dependent group 2 enhancer GRCh37_chr11:31326823-31328022; plus strand). Cytogenetic location: 11p13.
Variant type: single nucleotide variant.
Coding change: c.634G>A on transcript NM_001387274.1 (MANE Select); coding-DNA position 634, G replaced by A.
Protein change: p.Ala212Thr; replaces alanine 212 with threonine.
Molecular consequence: missense variant. On other transcripts: non-coding transcript variant (1).
Genome position (GRCh38, 1-based): chr11:31,305,735, C>T on the plus strand (G>A on the coding strand, the complement: DCDC1 is on the minus strand). VCF-style: chr11-31305735-C-T. GRCh37 (hg19) VCF-style: chr11-31327282-C-T.
Other names: c.634G>A, p.Ala212Thr (NM_001367979.1, NM_181807.4); short protein forms A212T.
Identifiers: ClinVar variation 3622060 (VCV003622060.2).

ClinVar aggregate classification (germline): Uncertain significance (1 of 4 stars; one submission).

gnomAD v4.1: 10 of 1,613,458 alleles (0.00062%); highest among the groups gnomAD compares: African/African-American, 0.0053%; no homozygotes.

Submission:

Labcorp Genetics (formerly Invitae), Labcorp
Classification: Uncertain significance. Last evaluated: 2024-07-05. Review status: criteria provided, single submitter. Criteria: Invitae Variant Classification Sherloc (09022015). Collection method: clinical testing. Allele origin: germline.
Comment: This sequence change replaces alanine, which is neutral and non-polar, with threonine, which is neutral and polar, at codon 212 of the DCDC1 protein (p.Ala212Thr). This variant is present in population databases (rs374157559, gnomAD 0.004%). This variant has not been reported in the literature in individuals affected with DCDC1-related conditions. An algorithm developed to predict the effect of missense changes on protein structure and function (PolyPhen-2) suggests that this variant is likely to be disruptive. In summary, the available evidence is currently insufficient to determine the role of this variant in disease. Therefore, it has been classified as a Variant of Uncertain Significance.